The following is an entry in ClinVar:

NM_015139.3(SLC35D1):c.98C>T (p.Ser33Leu)

Gene: SLC35D1 (solute carrier family 35 member D1; minus strand). Cytogenetic location: 1p31.3.
Variant type: single nucleotide variant.
Coding change: c.98C>T on transcript NM_015139.3 (MANE Select); coding-DNA position 98, C replaced by T.
Protein change: p.Ser33Leu; replaces serine 33 with leucine.
Molecular consequence: missense variant.
Genome position (GRCh38, 1-based): chr1:67,053,916, G>A on the plus strand (C>T on the coding strand, the complement: SLC35D1 is on the minus strand). VCF-style: chr1-67053916-G-A. GRCh37 (hg19) VCF-style: chr1-67519599-G-A.
Other names: short protein forms S33L.
Identifiers: ClinVar variation 1702487 (VCV001702487.9), dbSNP rs34458186, ClinGen allele CA899177.
Genomic context (GRCh38, chr1:67,053,916, plus strand): 5'-GAGCTCACGCCGTAAAAGCCGGCGGCCAGCAGCTTCAGAAACACGGTCAGCGTTTCGGCC[G>A]ACGCCATCCCCAGCTCCTCCTCATCTCGGAGTGTGGAGGATTTCGCGGGGGCTTCTCCTT-3'
Protein context (NP_055954.1, residues 23-43): LRDEEELGMA[Ser33Leu]AETLTVFLKL

ClinVar aggregate classification (germline): Uncertain significance. Review status: criteria provided, multiple submitters, no conflicts (2 of 4 stars). 3 submissions from 3 submitters: Uncertain significance (3). Last evaluated 2022-10-13.

Conditions:
Inborn genetic diseases. Identifiers: MedGen C0950123, MeSH D030342.
Schneckenbecken dysplasia. Identifiers: Orphanet 3144, MedGen C0432194, MONDO:0010013, OMIM 269250.
Connective tissue disorder. Also called: Connective tissue disease. Identifiers: MedGen C0009782, MONDO:0003900.

Allele frequency attached by ClinVar (database versions not stated): ESP Exome Variant Server 0.00008; gnomAD 0.00012 and 0.00013; ExAC 0.00002; gnomAD exomes 0.00002 and 0.00003; TOPMed 0.00009.
gnomAD v4.1: 54 of 1,613,692 alleles (0.0033%); highest among the groups gnomAD compares: African/African-American, 0.037%; 1 homozygote.

Submissions (3):

Labcorp Genetics (formerly Invitae), Labcorp
Classification: Uncertain significance for Schneckenbecken dysplasia. Last evaluated: 2022-10-13. Review status: criteria provided, single submitter. Criteria: Invitae Variant Classification Sherloc (09022015). Collection method: clinical testing. Allele origin: germline.
Comment: This sequence change replaces serine, which is neutral and polar, with leucine, which is neutral and non-polar, at codon 33 of the SLC35D1 protein (p.Ser33Leu). This variant is present in population databases (rs34458186, gnomAD 0.04%). This variant has not been reported in the literature in individuals affected with SLC35D1-related conditions. ClinVar contains an entry for this variant (Variation ID: 1702487). Algorithms developed to predict the effect of missense changes on protein structure and function (SIFT, PolyPhen-2, Align-GVGD) all suggest that this variant is likely to be tolerated. In summary, the available evidence is currently insufficient to determine the role of this variant in disease. Therefore, it has been classified as a Variant of Uncertain Significance.

Genome Diagnostics Laboratory, The Hospital for Sick Children
Classification: Uncertain significance for Connective tissue disorder. Last evaluated: 2022-02-10. Review status: criteria provided, single submitter. Criteria: ACMG Guidelines, 2015. Collection method: clinical testing. Allele origin: germline.

Ambry Genetics
Classification: Uncertain significance for Inborn genetic diseases. Last evaluated: 2021-09-01. Review status: criteria provided, single submitter. Criteria: Ambry Variant Classification Scheme 2023. Collection method: clinical testing. Allele origin: germline.